The following is an entry in ClinVar:

NM_025000.4(DCAF17):c.1171dup (p.Glu391fs)

Gene: DCAF17 (DDB1 and CUL4 associated factor 17; plus strand). Cytogenetic location: 2q31.1.
Variant type: Duplication.
Coding change: c.1171dup on transcript NM_025000.4 (MANE Select); coding-DNA position 1171, one base duplicated (G; older notation c.1171dupG).
Protein change: p.Glu391fs; shifts the reading frame from glutamic acid 391.
Molecular consequence: frameshift variant. On other transcripts: non-coding transcript variant (1), intron variant (1).
Genome position (GRCh38, 1-based): chr2:171,476,939, G duplicated; the last of 3 consecutive G bases (chr2:171,476,937-171,476,939); duplicating any one gives the same sequence. VCF-style (leftmost placement, unchanged base first): chr2-171476936-A-AG. GRCh37 (hg19) VCF-style: chr2-172333446-A-AG.
Other names: c.982-1048dup (NM_001164821.2); short protein forms E391fs.
Identifiers: ClinVar variation 3062274 (VCV003062274.1), dbSNP rs2529794997, ClinGen allele CA2740095888.

ClinVar aggregate classification (germline): Likely pathogenic (1 of 4 stars; one submission).

Conditions:
Woodhouse-Sakati syndrome. Also called: Hypogonadism, Alopecia, Diabetes Mellitus, Mental Retardation, and Extrapyramidal Syndrome; EXTRAPYRAMIDAL DISORDER, PROGRESSIVE, WITH PRIMARY HYPOGONADISM, MENTAL RETARDATION, AND ALOPECIA; Hypogonadism, diabetes mellitus, alopecia, mental retardation and electrocardiographic abnormalities. Identifiers: Orphanet 3464, MedGen C0342286, MONDO:0009419, OMIM 241080.

Submission:

Molecular Genetics Department, Kulakov National Medical Research Center for Obstetrics, Gynecology and Perinatology
Classification: Likely pathogenic for Woodhouse-Sakati syndrome. Review status: criteria provided, single submitter. Criteria: ACMG Guidelines, 2015. Collection method: clinical testing. Allele origin: germline. Affected: yes.
Comment: A previously undescribed nucleotide variant creates a frameshift p.Glu391GlyfsTer4 in the DCAF17 gene. Homozygous and compound heterozygous variants are reported in patients with Woodhouse-Sakati syndrome, 241080. The variant is not present in population database (gnomAD no frequency). In summary, the currently available evidence indicates that the variant is pathogenic, but additional data are needed to prove that conclusively. Therefore, this variant has been classified as likely pathogenic.